The following is an entry in ClinVar:

ClinVar aggregate classification (germline): Uncertain significance (1 of 4 stars; one submission).

gnomAD v4.1: 1 of 1,613,210 alleles (0.000062%); highest among the groups gnomAD compares: Admixed American, 0.0017%; no homozygotes.

Submission:

Labcorp Genetics (formerly Invitae), Labcorp
Classification: Uncertain significance. Last evaluated: 2024-07-07. Review status: criteria provided, single submitter. Criteria: Invitae Variant Classification Sherloc (09022015). Collection method: clinical testing. Allele origin: germline.
Comment: This sequence change replaces serine, which is neutral and polar, with alanine, which is neutral and non-polar, at codon 266 of the SCO2 protein (p.Ser266Ala). This variant is not present in population databases (gnomAD no frequency). This variant has not been reported in the literature in individuals affected with SCO2-related conditions. An algorithm developed to predict the effect of missense changes on protein structure and function (PolyPhen-2) suggests that this variant is likely to be tolerated. In summary, the available evidence is currently insufficient to determine the role of this variant in disease. Therefore, it has been classified as a Variant of Uncertain Significance.

NM_005138.3(SCO2):c.796T>G (p.Ser266Ala)

Genes: NCAPH2 (non-SMC condensin II complex subunit H2; plus strand), SCO2 (synthesis of cytochrome C oxidase 2; minus strand). Cytogenetic location: 22q13.33.
Variant type: single nucleotide variant.
Coding change: c.796T>G on transcript NM_005138.3 (MANE Select); coding-DNA position 796, T replaced by G.
Protein change: p.Ser266Ala; replaces serine 266 with alanine.
Molecular consequence: missense variant. On other transcripts: 3 prime UTR variant (2).
Genome position (GRCh38, 1-based): chr22:50,523,616, A>C on the plus strand (T>G on the coding strand, the complement: SCO2 is on the minus strand). VCF-style: chr22-50523616-A-C. GRCh37 (hg19) VCF-style: chr22-50962045-A-C.
Other names: c.*241A>C (NM_001185011.2, NM_152299.4); c.796T>G, p.Ser266Ala (NM_001169109.2, NM_001169110.1, NM_001169111.2); short protein forms S266A.
Identifiers: ClinVar variation 3668354 (VCV003668354.2).
Genomic context (GRCh38, chr22:50,523,616, plus strand): 5'-CACACACACAGATTAAACGCAGCCCGTTTAATGATGGGGCCCAGACTGCAGTGGCTCAAG[A>C]CAGGACACTGCGGAAAGCCGCCATGTGCCGCCGCACACTGTCTGAGATCTGCTCAGCCGA-3'
Protein context (NP_005129.2, residues 256-266): RHMAAFRSVL[Ser266Ala]